The following is an entry in ClinVar:

ClinVar aggregate classification (germline): Likely benign (0 of 4 stars; one submission).

Conditions:
PROK2-related disorder. Also called: PROK2-related condition.

Submission:

PreventionGenetics, part of Exact Sciences
Classification: Likely benign for PROK2-related condition. Last evaluated: 2024-07-10. Review status: no assertion criteria provided. Collection method: clinical testing. Allele origin: germline.
Comment: This variant is classified as likely benign based on ACMG/AMP sequence variant interpretation guidelines (Richards et al. 2015 PMID: 25741868, with internal and published modifications).

NM_001126128.2(PROK2):c.97-8C>T

Gene: PROK2 (prokineticin 2; minus strand). Cytogenetic location: 3p13.
Variant type: single nucleotide variant.
Coding change: c.97-8C>T on transcript NM_001126128.2 (MANE Select); 8 bases into the intron before coding-DNA position 97, C replaced by T.
Molecular consequence: intron variant.
Genome position (GRCh38, 1-based): chr3:71,781,600, G>A on the plus strand (C>T on the coding strand, the complement: PROK2 is on the minus strand). VCF-style: chr3-71781600-G-A. GRCh37 (hg19) VCF-style: chr3-71830751-G-A.
Other names: c.97-8C>T (NM_021935.4).
Identifiers: ClinVar variation 3347051 (VCV003347051.1).